The following is an entry in ClinVar:

ClinVar aggregate classification (germline): Pathogenic (1 of 4 stars; one submission).

Submission:

Labcorp Genetics (formerly Invitae), Labcorp
Classification: Pathogenic. Last evaluated: 2022-05-11. Review status: criteria provided, single submitter. Criteria: Invitae Variant Classification Sherloc (09022015). Collection method: clinical testing. Allele origin: germline.
Comment: This variant has not been reported in the literature in individuals affected with POLE-related conditions. This sequence change creates a premature translational stop signal (p.Val1518Glyfs*27) in the POLE gene. It is expected to result in an absent or disrupted protein product. Loss-of-function variants in POLE are known to be pathogenic (PMID: 23230001, 25948378, 30503519). This variant is not present in population databases (gnomAD no frequency). ClinVar contains an entry for this variant (Variation ID: 656322). Algorithms developed to predict the effect of sequence changes on RNA splicing suggest that this variant may create or strengthen a splice site. For these reasons, this variant has been classified as Pathogenic.

Literature cited by the submitters: PubMed 23230001; PubMed 25948378; PubMed 30503519.

NM_006231.4(POLE):c.4552-1dup

Gene: POLE (DNA polymerase epsilon, catalytic subunit; minus strand). Cytogenetic location: 12q24.33.
Variant type: Duplication.
Coding change: c.4552-1dup on transcript NM_006231.4 (MANE Select); the canonical splice acceptor site of the intron before coding-DNA position 4552, one base duplicated (G; older notation c.4552-1dupG).
Molecular consequence: splice acceptor variant.
Genome position (GRCh38, 1-based): chr12:132,642,996, C duplicated on the plus strand (G on the coding strand, the reverse complement: POLE is on the minus strand); the first of 2 consecutive C bases (chr12:132,642,996-132,642,997); duplicating either gives the same sequence. VCF-style (leftmost placement, unchanged base first): chr12-132642995-A-AC. GRCh37 (hg19) VCF-style: chr12-133219581-A-AC.
Other names: c.4552dupG (NM_006231.3).
Identifiers: ClinVar variation 656322 (VCV000656322.8), dbSNP rs1593732836, ClinGen allele CA915946821.